The following is an entry in ClinVar:

ClinVar aggregate classification (germline): Uncertain significance (1 of 4 stars; one submission).

Conditions:
Werner syndrome (WRN). Identifiers: Orphanet 902, MedGen C0043119, MONDO:0010196, OMIM 277700.

Submission:

Labcorp Genetics (formerly Invitae), Labcorp
Classification: Uncertain significance for Werner syndrome. Last evaluated: 2020-11-03. Review status: criteria provided, single submitter. Criteria: Invitae Variant Classification Sherloc (09022015). Collection method: clinical testing. Allele origin: germline.
Comment: Algorithms developed to predict the effect of missense changes on protein structure and function are either unavailable or do not agree on the potential impact of this missense change (SIFT: "Not Available"; PolyPhen-2: "Probably Damaging"; Align-GVGD: "Not Available"). This variant has not been reported in the literature in individuals with WRN-related conditions. In summary, the available evidence is currently insufficient to determine the role of this variant in disease. Therefore, it has been classified as a Variant of Uncertain Significance. This variant is not present in population databases (ExAC no frequency). This sequence change replaces leucine with histidine at codon 1284 of the WRN protein (p.Leu1284His). The leucine residue is moderately conserved and there is a moderate physicochemical difference between leucine and histidine.

NM_000553.6(WRN):c.3851T>A (p.Leu1284His)

Gene: WRN (WRN RecQ like helicase; plus strand). Cytogenetic location: 8p12.
Variant type: single nucleotide variant.
Coding change: c.3851T>A on transcript NM_000553.6 (MANE Select); coding-DNA position 3851, T replaced by A.
Protein change: p.Leu1284His; replaces leucine 1284 with histidine.
Molecular consequence: missense variant.
Genome position (GRCh38, 1-based): chr8:31,157,399, T>A. VCF-style: chr8-31157399-T-A. GRCh37 (hg19) VCF-style: chr8-31014915-T-A.
Other names: short protein forms L1284H.
Identifiers: ClinVar variation 1495247 (VCV001495247.6), dbSNP rs2130480275, ClinGen allele CA370929338.